The following is an entry in ClinVar:

ClinVar aggregate classification (germline): Likely benign (1 of 4 stars; one submission).

Conditions:
PLXNA4-related disorder. Also called: PLXNA4-related condition.

gnomAD v4.1: 1 of 1,612,806 alleles (0.000062%); highest among the groups gnomAD compares: Admixed American, 0.0017%; no homozygotes.

Submission:

PreventionGenetics, part of Exact Sciences
Classification: Likely benign for PLXNA4-related condition. Last evaluated: 2025-05-25. Review status: criteria provided, single submitter. Criteria: ACMG Guidelines, 2015. Collection method: clinical testing. Allele origin: germline.
Comment: This variant is classified as likely benign based on ACMG/AMP sequence variant interpretation guidelines (Richards et al. 2015 PMID: 25741868, with internal and published modifications).

NM_020911.2(PLXNA4):c.2088G>A (p.Lys696=)

Gene: PLXNA4 (plexin A4; minus strand). Cytogenetic location: 7q32.3.
Variant type: single nucleotide variant.
Coding change: c.2088G>A on transcript NM_020911.2 (MANE Select); coding-DNA position 2088, G replaced by A.
Protein change: p.Lys696=; no amino-acid change (lysine 696 retained).
Molecular consequence: synonymous variant.
Genome position (GRCh38, 1-based): chr7:132,223,536, C>T on the plus strand (G>A on the coding strand, the complement: PLXNA4 is on the minus strand). VCF-style: chr7-132223536-C-T. GRCh37 (hg19) VCF-style: chr7-131908295-C-T.
Other names: c.2088G>A, p.Lys696= (NM_001393897.1).
Identifiers: ClinVar variation 4998863 (VCV004998863.1).